The following is an entry in ClinVar:

NM_001384732.1(CPLANE1):c.1929T>G (p.Cys643Trp)

Gene: CPLANE1 (ciliogenesis and planar polarity effector complex subunit 1; minus strand). Cytogenetic location: 5p13.2.
Variant type: single nucleotide variant.
Coding change: c.1929T>G on transcript NM_001384732.1 (MANE Select); coding-DNA position 1929, T replaced by G.
Protein change: p.Cys643Trp; replaces cysteine 643 with tryptophan.
Molecular consequence: missense variant.
Genome position (GRCh38, 1-based): chr5:37,226,666, A>C on the plus strand (T>G on the coding strand, the complement: CPLANE1 is on the minus strand). VCF-style: chr5-37226666-A-C. GRCh37 (hg19) VCF-style: chr5-37226768-A-C.
Other names: c.1929T>G, p.Cys643Trp (NM_023073.4); short protein forms C643W.
Identifiers: ClinVar variation 1480910 (VCV001480910.8), dbSNP rs1796533427, ClinGen allele CA359498054.

ClinVar aggregate classification (germline): Uncertain significance (1 of 4 stars; one submission).

Allele frequency attached by ClinVar (database versions not stated): gnomAD exomes below 0.00001.
gnomAD v4.1: 1 of 1,551,264 alleles (0.000064%); highest among the groups gnomAD compares: South Asian, 0.0012%; no homozygotes.

Submission:

Labcorp Genetics (formerly Invitae), Labcorp
Classification: Uncertain significance. Last evaluated: 2024-02-17. Review status: criteria provided, single submitter. Criteria: Invitae Variant Classification Sherloc (09022015). Collection method: clinical testing. Allele origin: germline.
Comment: This sequence change replaces cysteine, which is neutral and slightly polar, with tryptophan, which is neutral and slightly polar, at codon 643 of the CPLANE1 protein (p.Cys643Trp). This variant is not present in population databases (gnomAD no frequency). This variant has not been reported in the literature in individuals affected with CPLANE1-related conditions. ClinVar contains an entry for this variant (Variation ID: 1480910). Advanced modeling of protein sequence and biophysical properties (such as structural, functional, and spatial information, amino acid conservation, physicochemical variation, residue mobility, and thermodynamic stability) performed at Invitae indicates that this missense variant is expected to disrupt CPLANE1 protein function with a positive predictive value of 95%. In summary, the available evidence is currently insufficient to determine the role of this variant in disease. Therefore, it has been classified as a Variant of Uncertain Significance.